The following is an entry in ClinVar:

NM_001009923.2:c.327C>T

Gene: TMEM230 (transmembrane protein 230; minus strand).
Variant type: single nucleotide variant.
Other names: p.Ile109=.
Identifiers: ClinVar variation 4684410 (VCV004684410.1).

ClinVar aggregate classification (germline): Benign (1 of 4 stars; one submission).

Submission:

Mayo Clinic Laboratories, Mayo Clinic
Classification: Benign. Last evaluated: 2023-03-10. Review status: criteria provided, single submitter. Criteria: ACMG Guidelines, 2015. Collection method: clinical testing. Allele origin: germline. Observed: 19 variant alleles.
Comment: BS1, BS2, BP4, BP7

Literature cited by the submitters: PubMed 33212219.